The following is an entry in ClinVar:

ClinVar aggregate classification (germline): Uncertain significance. Review status: criteria provided, multiple submitters, no conflicts (2 of 4 stars). 7 submissions from 7 submitters: Uncertain significance (7). Last evaluated 2026-04-04.

Conditions:
Hereditary nonpolyposis colorectal neoplasms. Identifiers: MedGen C0009405, MeSH D003123.
Hereditary cancer-predisposing syndrome. Also called: Hereditary neoplastic syndrome; Neoplastic Syndromes, Hereditary; Hereditary Cancer Syndrome; Tumor predisposition. Identifiers: Orphanet 140162, MedGen C0027672, MeSH D009386, MONDO:0015356.
Endometrial carcinoma. Also called: Endometrial carcinoma, somatic. Identifiers: MedGen C0476089, MONDO:0002447, OMIM 608089, HP:0012114.
Lynch syndrome. Identifiers: Orphanet 144, MedGen C4552100, MONDO:0005835. Disease mechanism: loss of function.

Allele frequency attached by ClinVar (database versions not stated): TOPMed below 0.00001.

Submissions (7):

Dasa
Classification: Uncertain significance. Last evaluated: 2026-04-04. Review status: criteria provided, single submitter. Criteria: DASA Assertion Criteria. Collection method: clinical testing. Allele origin: germline.
Comment: NM_000179.3(MSH6):c.37A>C (p.Lys13Gln) is a missense variant that results in the substitution of lysine with glutamine. This variant is absent from population databases. The currently available literature and clinical evidence are not sufficient to establish a definitive association between this variant and the reported condition. Therefore, this variant is classified as a variant of uncertain significance.

Labcorp Genetics (formerly Invitae), Labcorp
Classification: Uncertain significance for Hereditary nonpolyposis colorectal neoplasms. Last evaluated: 2025-05-18. Review status: criteria provided, single submitter. Criteria: Invitae Variant Classification Sherloc (09022015). Collection method: clinical testing. Allele origin: germline.
Comment: This sequence change replaces lysine, which is basic and polar, with glutamine, which is neutral and polar, at codon 13 of the MSH6 protein (p.Lys13Gln). This variant is not present in population databases (gnomAD no frequency). This variant has not been reported in the literature in individuals affected with MSH6-related conditions. ClinVar contains an entry for this variant (Variation ID: 920371). Invitae Evidence Modeling of protein sequence and biophysical properties (such as structural, functional, and spatial information, amino acid conservation, physicochemical variation, residue mobility, and thermodynamic stability) indicates that this missense variant is not expected to disrupt MSH6 protein function with a negative predictive value of 95%. In summary, the available evidence is currently insufficient to determine the role of this variant in disease. Therefore, it has been classified as a Variant of Uncertain Significance.

Ambry Genetics
Classification: Uncertain significance for Hereditary cancer-predisposing syndrome. Last evaluated: 2024-08-02. Review status: criteria provided, single submitter. Criteria: Ambry Variant Classification Scheme 2023. Collection method: clinical testing. Allele origin: germline.
Comment: The p.K13Q variant (also known as c.37A>C), located in coding exon 1 of the MSH6 gene, results from an A to C substitution at nucleotide position 37. The lysine at codon 13 is replaced by glutamine, an amino acid with similar properties. This amino acid position is highly conserved in available vertebrate species. In addition, the in silico prediction for this alteration is inconclusive. Based on the available evidence, the clinical significance of this variant remains unclear.

Baylor Genetics
Classification: Uncertain significance for Endometrial carcinoma. Last evaluated: 2024-03-09. Review status: criteria provided, single submitter. Criteria: ACMG Guidelines, 2015. Collection method: clinical testing. Allele origin: unknown.

All of Us Research Program, National Institutes of Health
Classification: Uncertain significance for Lynch syndrome. Last evaluated: 2023-10-30. Review status: criteria provided, single submitter. Criteria: ACMG Guidelines, 2015. Collection method: clinical testing. Allele origin: germline. Inheritance: Autosomal dominant inheritance. Observed: 1 variant allele, 1 heterozygote.
Comment: This missense variant replaces lysine with glutamine at codon 13 of the MSH6 protein. Computational prediction tools and conservation analyses are inconclusive regarding the impact of this variant on the protein function. Computational splicing tools suggest that this variant may not impact RNA splicing. To our knowledge, functional assays have not been performed for this variant nor has this variant been reported in individuals affected with hereditary cancer in the literature. This variant has not been identified in the general population by the Genome Aggregation Database (gnomAD). Available evidence is insufficient to determine the role of this variant in disease conclusively. Therefore, this variant is classified as a Variant of Uncertain Significance.

This study involves interpretation of variants in research participants for the purpose of population health screening. Participant phenotype was not available at the time of variant classification. Additional details can be found in publication PMID: 35346344, PMCID: PMC8962531

Color Diagnostics, LLC DBA Color Health
Classification: Uncertain significance for Hereditary cancer-predisposing syndrome. Last evaluated: 2019-08-08. Review status: criteria provided, single submitter. Criteria: ACMG Guidelines, 2015. Collection method: clinical testing. Allele origin: germline.
Comment: This missense variant replaces lysine with glutamine at codon 13 of the MSH6 protein. Computational prediction tools and conservation analyses are inconclusive regarding the impact of this variant on the protein function. Computational splicing tools suggest that this variant may not impact RNA splicing. To our knowledge, functional assays have not been performed for this variant nor has this variant been reported in individuals affected with hereditary cancer in the literature. This variant has not been identified in the general population by the Genome Aggregation Database (gnomAD). Available evidence is insufficient to determine the role of this variant in disease conclusively. Therefore, this variant is classified as a Variant of Uncertain Significance.

Women's Health and Genetics/Laboratory Corporation of America, LabCorp
Classification: Uncertain significance. Last evaluated: 2019-03-26. Review status: criteria provided, single submitter. Criteria: LabCorp Variant Classification Summary - May 2015. Collection method: clinical testing. Allele origin: germline.
Comment: Variant summary: MSH6 c.37A>C (p.Lys13Gln) results in a conservative amino acid change in the encoded protein sequence. Four of five in-silico tools predict a damaging effect of the variant on protein function. The variant was absent in 240220 control chromosomes (gnomAD). The available data on variant occurrences in the general population are insufficient to allow any conclusion about variant significance. To our knowledge, no occurrence of c.37A>C in individuals affected with Lynch Syndrome and no experimental evidence demonstrating its impact on protein function have been reported. No clinical diagnostic laboratories have submitted clinical-significance assessments for this variant to ClinVar after 2014. Based on the evidence outlined above, the variant was classified as uncertain significance.

NM_000179.3(MSH6):c.37A>C (p.Lys13Gln)

Gene: MSH6 (mutS homolog 6; plus strand). Cytogenetic location: 2p16.3.
Variant type: single nucleotide variant.
Coding change: c.37A>C on transcript NM_000179.3 (MANE Select); coding-DNA position 37, A replaced by C.
Protein change: p.Lys13Gln; replaces lysine 13 with glutamine.
Molecular consequence: missense variant. On other transcripts: 5 prime UTR variant (1).
Genome position (GRCh38, 1-based): chr2:47,783,270, A>C. VCF-style: chr2-47783270-A-C. GRCh37 (hg19) VCF-style: chr2-48010409-A-C.
Other names: c.37A>C, p.Lys13Gln (NM_001281492.2); c.-700A>C (NM_001281493.2); short protein forms K13Q.
Identifiers: ClinVar variation 920371 (VCV000920371.13), dbSNP rs942019524, ClinGen allele CA46687657.